The following is an entry in ClinVar:

NM_001069.3(TUBB2A):c.871CAG[1] (p.Gln292del)

Gene: TUBB2A (tubulin beta 2A class IIa; minus strand). Cytogenetic location: 6p25.2.
Variant type: Microsatellite.
Coding change: c.871CAG[1] on transcript NM_001069.3 (MANE Select); one copy of the 3-base unit CAG starting at c.871; the reference has two copies in a row; one copy, 3 bases deleted.
Protein change: p.Gln292del; deletes glutamine 292.
Genome position (GRCh38, 1-based): chr6:3,154,325-3,154,327, CTG deleted on the plus strand (CAG on the coding strand, the reverse complement: TUBB2A is on the minus strand); deleting any 3 consecutive bases within chr6:3,154,325-3,154,330 gives the same sequence; the position shown is the placement nearest the transcript's 3' end. VCF-style (leftmost placement, unchanged base first): chr6-3154324-TCTG-T. GRCh37 (hg19) VCF-style: chr6-3154558-TCTG-T.
Other names: c.616CAG[1], p.Gln207del (NM_001310315.2); short protein forms Q292del, Q207del.
Identifiers: ClinVar variation 3646709 (VCV003646709.2).

ClinVar aggregate classification (germline): Uncertain significance (1 of 4 stars; one submission).

Submission:

Labcorp Genetics (formerly Invitae), Labcorp
Classification: Uncertain significance. Last evaluated: 2024-03-19. Review status: criteria provided, single submitter. Criteria: Invitae Variant Classification Sherloc (09022015). Collection method: clinical testing. Allele origin: germline.
Comment: This variant, c.874_876del, results in the deletion of 1 amino acid(s) of the TUBB2A protein (p.Gln292del), but otherwise preserves the integrity of the reading frame. This variant is not present in population databases (gnomAD no frequency). This variant has not been reported in the literature in individuals affected with TUBB2A-related conditions. Experimental studies and prediction algorithms are not available or were not evaluated, and the functional significance of this variant is currently unknown. In summary, the available evidence is currently insufficient to determine the role of this variant in disease. Therefore, it has been classified as a Variant of Uncertain Significance.